The following is an entry in ClinVar:

ClinVar aggregate classification (germline): Uncertain significance (1 of 4 stars; one submission).

Conditions:
Coffin-Siris syndrome 12. Identifiers: MedGen C5444111, MONDO:0025699, OMIM 619325.

Submission:

Laboratorio de Genetica e Diagnostico Molecular, Hospital Israelita Albert Einstein
Classification: Uncertain significance for Coffin-Siris syndrome 12. Last evaluated: 2024-01-30. Review status: criteria provided, single submitter. Criteria: ACMG Guidelines, 2015. Collection method: clinical testing. Allele origin: germline. Affected: yes.
Comment: ACMG classification criteria: PM2 supporting, BP4 supporting

NM_001394372.1(BICRA):c.2691G>C (p.Arg897Ser)

Gene: BICRA (BRD4 interacting chromatin remodeling complex associated protein; plus strand). Cytogenetic location: 19q13.33.
Variant type: single nucleotide variant.
Coding change: c.2691G>C on transcript NM_001394372.1 (MANE Select); coding-DNA position 2691, G replaced by C.
Protein change: p.Arg897Ser; replaces arginine 897 with serine.
Molecular consequence: missense variant.
Genome position (GRCh38, 1-based): chr19:47,694,522, G>C. VCF-style: chr19-47694522-G-C. GRCh37 (hg19) VCF-style: chr19-48197779-G-C.
Other names: c.2691G>C, p.Arg897Ser (NM_015711.3); short protein forms R897S.
Identifiers: ClinVar variation 3902066 (VCV003902066.1).
Genomic context (GRCh38, chr19:47,694,522, plus strand): 5'-CCACCTCCCTCCATCCTCCACCTCCTCTGCTGTGGCCTCCTCCTCTGAGACGTCCTCCAG[G>C]TTGCCAGCCCCTACGCCATCCGACTTCCAGCTCCAGTTCCCACCCAGCCAGGGGCCCCAC-3'
Protein context (NP_001381301.1, residues 887-907): AVASSSETSS[Arg897Ser]LPAPTPSDFQ